The following is an entry in ClinVar:

ClinVar aggregate classification (germline): Uncertain significance (0 of 4 stars; one submission).

Conditions:
SEMA3F-related disorder. Also called: SEMA3F-related condition.

gnomAD v4.1: 4 of 1,538,600 alleles (0.00026%); highest among the groups gnomAD compares: Non-Finnish European, 0.00035%; no homozygotes.

Submission:

PreventionGenetics, part of Exact Sciences
Classification: Uncertain significance for SEMA3F-related condition. Last evaluated: 2024-02-29. Review status: no assertion criteria provided. Collection method: clinical testing. Allele origin: germline.
Comment: The SEMA3F c.2338C>T variant is predicted to result in the amino acid substitution p.His780Tyr. To our knowledge, this variant has not been reported in the literature or in a large population database, indicating this variant is rare. At this time, the clinical significance of this variant is uncertain due to the absence of conclusive functional and genetic evidence.

NM_004186.5(SEMA3F):c.2338C>T (p.His780Tyr)

Gene: SEMA3F (semaphorin 3F; plus strand). Cytogenetic location: 3p21.31.
Variant type: single nucleotide variant.
Coding change: c.2338C>T on transcript NM_004186.5 (MANE Select); coding-DNA position 2338, C replaced by T.
Protein change: p.His780Tyr; replaces histidine 780 with tyrosine.
Molecular consequence: missense variant.
Genome position (GRCh38, 1-based): chr3:50,188,095, C>T. VCF-style: chr3-50188095-C-T. GRCh37 (hg19) VCF-style: chr3-50225528-C-T.
Other names: c.2041C>T, p.His681Tyr (NM_001318798.2); c.2245C>T, p.His749Tyr (NM_001318800.2); short protein forms H681Y, H749Y, H780Y.
Identifiers: ClinVar variation 3355409 (VCV003355409.1).